The following is an entry in ClinVar:

NM_000384.3(APOB):c.6201C>T (p.His2067=)

Gene: APOB (apolipoprotein B; minus strand). Cytogenetic location: 2p24.1.
Variant type: single nucleotide variant.
Coding change: c.6201C>T on transcript NM_000384.3 (MANE Select); coding-DNA position 6201, C replaced by T.
Protein change: p.His2067=; no amino-acid change (histidine 2067 retained).
Molecular consequence: synonymous variant.
Genome position (GRCh38, 1-based): chr2:21,010,667, G>A on the plus strand (C>T on the coding strand, the complement: APOB is on the minus strand). VCF-style: chr2-21010667-G-A. GRCh37 (hg19) VCF-style: chr2-21233539-G-A.
Identifiers: ClinVar variation 630291 (VCV000630291.43), dbSNP rs143222685, ClinGen allele CA062973.

ClinVar aggregate classification (germline): Likely benign. Review status: criteria provided, multiple submitters, no conflicts (2 of 4 stars). 6 submissions from 6 submitters: Likely benign (5). 1 of the submissions does not count toward it. Last evaluated 2025-08-21.

Conditions:
Hypercholesterolemia, autosomal dominant, type B (FHCL2). Also called: Familial Hypercholesterolemia Type B; Hyperlipoproteinemia Type IIb; Familial hypercholesterolemia 2; APOB-Related Familial Hypercholesterolemia, Autosomal Dominant; APOLIPOPROTEIN B-100, FAMILIAL DEFECTIVE; APOLIPOPROTEIN B-100, FAMILIAL LIGAND-DEFECTIVE. Identifiers: MedGen C1704417, MONDO:0007751, OMIM 144010.
Familial hypobetalipoproteinemia 1. Also called: APOB-Related Familial Hypobetalipoproteinemia; Hypobetalipoproteinemia, normotriglyceridemic; Acanthocytosis with hypobetalipoproteinemia. Identifiers: MedGen C4551990, MONDO:0014252, OMIM 615558.
Cardiovascular phenotype. Identifiers: MedGen CN230736.
APOB-related disorder. Also called: APOB-related condition; APOB-related disorders.
Familial hypercholesterolemia. Also called: Familial hypercholesterolaemia; Familial hypercholesterolemias. Identifiers: MedGen C0020445, MONDO:0005439.

Allele frequency attached by ClinVar (database versions not stated): ExAC 0.00002; TOPMed 0.00002; gnomAD 0.00003 and 0.00004; gnomAD exomes 0.00006 and 0.00008; ESP Exome Variant Server 0.00008.
gnomAD v4.1: 122 of 1,613,972 alleles (0.0076%); highest among the groups gnomAD compares: Non-Finnish European, 0.0094%; no homozygotes.

Submissions (6):

Labcorp Genetics (formerly Invitae), Labcorp
Classification: Likely benign for Familial hypobetalipoproteinemia 1; Hypercholesterolemia, autosomal dominant, type B. Last evaluated: 2025-08-21. Review status: criteria provided, single submitter. Criteria: Invitae Variant Classification Sherloc (09022015). Collection method: clinical testing. Allele origin: germline.

GENinCode PLC
Classification: Likely benign for Familial hypercholesterolemia. Last evaluated: 2025-01-09. Review status: criteria provided, single submitter. Criteria: ACMG Guidelines, 2015. Collection method: clinical testing. Allele origin: germline.
Comment: This is a synonymous (silent) variant that is not predicted to impact splicing and occurs at a nucleotide which is not highly conserved. This variant has been classified as Likely Benign (BP4, BP7).

ARUP Laboratories, Molecular Genetics and Genomics, ARUP Laboratories
Classification: Likely benign. Last evaluated: 2024-11-12. Review status: criteria provided, single submitter. Criteria: ARUP Molecular Germline Variant Investigation Process 2024. Collection method: clinical testing. Allele origin: germline.

Ambry Genetics
Classification: Likely benign for Cardiovascular phenotype. Last evaluated: 2023-04-18. Review status: criteria provided, single submitter. Criteria: Ambry Variant Classification Scheme 2023. Collection method: clinical testing. Allele origin: germline.

CeGaT Center for Human Genetics Tuebingen
Classification: Likely benign. Last evaluated: 2023-04-01. Review status: criteria provided, single submitter. Criteria: CeGaT Center For Human Genetics Tuebingen Variant Classification Criteria Version 2. Collection method: clinical testing. Allele origin: germline. Affected: yes. Observed: 1 variant allele.
Comment: APOB: BP4, BP7

PreventionGenetics, part of Exact Sciences
Classification: Likely benign for APOB-related condition. Last evaluated: 2021-12-16. Review status: no assertion criteria provided. Collection method: clinical testing. Allele origin: germline. Not counted in ClinVar's aggregate classification.
Comment: This variant is classified as likely benign based on ACMG/AMP sequence variant interpretation guidelines (Richards et al. 2015 PMID: 25741868, with internal and published modifications).